The following is an entry in ClinVar:

NM_007294.4(BRCA1):c.134+1788C>T

Gene: BRCA1 (BRCA1 DNA repair associated; minus strand). Cytogenetic location: 17q21.31.
Variant type: single nucleotide variant.
Coding change: c.134+1788C>T on transcript NM_007294.4 (MANE Select); 1788 bases into the intron after coding-DNA position 134, C replaced by T.
Molecular consequence: intron variant.
Genome position (GRCh38, 1-based): chr17:43,113,938, G>A on the plus strand (C>T on the coding strand, the complement: BRCA1 is on the minus strand). VCF-style: chr17-43113938-G-A. GRCh37 (hg19) VCF-style: chr17-41265955-G-A.
Other names: IVS 3+1788C>T; c.-8+1788C>T (NM_001408458.1, NM_001408470.1, NM_001407848.1 and 47 more transcripts); c.-219+11339C>T (NM_001407967.1); c.-169-8982C>T (NM_001407959.1, NM_001407963.1); c.-7-7405C>T (NM_001407931.1, NM_001407747.1, NM_001408461.1 and 30 more transcripts); c.-170+1788C>T (NM_001407962.1, NM_001408512.1, NM_001408510.1 and 1 more transcripts); c.-55+1788C>T (NM_001407885.1, NM_001407886.1, NM_001408509.1 and 52 more transcripts); c.-124+1788C>T (NM_001407746.1, NM_001408468.1, NM_001407842.1 and 13 more transcripts); and 10 more.
Identifiers: ClinVar variation 209526 (VCV000209526.2), dbSNP rs2671874, ClinGen allele CA276495.

ClinVar aggregate classification (germline): Benign (3 of 4 stars; one submission).

Conditions:
Breast-ovarian cancer, familial, susceptibility to, 1 (BROVCA1). Also called: BRCA1 Hereditary Breast and Ovarian Cancer; OVARIAN CANCER, SUSCEPTIBILITY TO. Identifiers: Orphanet 145, MedGen C2676676, MONDO:0011450, OMIM 604370. Disease mechanism: loss of function.

Allele frequency attached by ClinVar (database versions not stated): gnomAD 0.13456 and 0.14259; TOPMed 0.14626; 1000 Genomes Project 0.14716; 1000 Genomes Project 30x 0.15459.
gnomAD v4.1: 20,242 of 152,060 alleles (13%); highest among the groups gnomAD compares: African/African-American, 45%; 4,252 homozygotes.

Submission:

Evidence-based Network for the Interpretation of Germline Mutant Alleles (ENIGMA)
Classification: Benign for Breast-ovarian cancer, familial 1. Last evaluated: 2015-01-12. Review status: reviewed by expert panel. Criteria: ENIGMA BRCA1/2 Classification Criteria (2015). Collection method: curation. Allele origin: germline.
Comment: Class 1 not pathogenic based on frequency >1% in an outbred sampleset. Frequency 0.4919 (African), derived from 1000 genomes (2012-04-30).